The following is an entry in ClinVar:

ClinVar aggregate classification (germline): Uncertain significance (1 of 4 stars; one submission).

Conditions:
Kabuki syndrome. Also called: Kabuki make-up syndrome; NIIKAWA-KUROKI SYNDROME. Identifiers: Orphanet 2322, MedGen C0796004, MONDO:0016512.

Allele frequency attached by ClinVar (database versions not stated): TOPMed below 0.00001.

Submission:

Labcorp Genetics (formerly Invitae), Labcorp
Classification: Uncertain significance for Kabuki syndrome. Last evaluated: 2024-02-17. Review status: criteria provided, single submitter. Criteria: Invitae Variant Classification Sherloc (09022015). Collection method: clinical testing. Allele origin: germline.
Comment: This sequence change replaces phenylalanine, which is neutral and non-polar, with cysteine, which is neutral and slightly polar, at codon 4595 of the KMT2D protein (p.Phe4595Cys). This variant is not present in population databases (gnomAD no frequency). This variant has not been reported in the literature in individuals affected with KMT2D-related conditions. ClinVar contains an entry for this variant (Variation ID: 1505900). Advanced modeling of protein sequence and biophysical properties (such as structural, functional, and spatial information, amino acid conservation, physicochemical variation, residue mobility, and thermodynamic stability) has been performed at Invitae for this missense variant, however the output from this modeling did not meet the statistical confidence thresholds required to predict the impact of this variant on KMT2D protein function. In summary, the available evidence is currently insufficient to determine the role of this variant in disease. Therefore, it has been classified as a Variant of Uncertain Significance.

NM_003482.4(KMT2D):c.13784T>G (p.Phe4595Cys)

Gene: KMT2D (lysine methyltransferase 2D; minus strand). Cytogenetic location: 12q13.12.
Variant type: single nucleotide variant.
Coding change: c.13784T>G on transcript NM_003482.4 (MANE Select); coding-DNA position 13784, T replaced by G.
Protein change: p.Phe4595Cys; replaces phenylalanine 4595 with cysteine.
Molecular consequence: missense variant.
Genome position (GRCh38, 1-based): chr12:49,030,656, A>C on the plus strand (T>G on the coding strand, the complement: KMT2D is on the minus strand). VCF-style: chr12-49030656-A-C. GRCh37 (hg19) VCF-style: chr12-49424439-A-C.
Other names: short protein forms F4595C.
Identifiers: ClinVar variation 1505900 (VCV001505900.6), dbSNP rs1942856594, ClinGen allele CA384702014.